The following is an entry in ClinVar:

NM_000038.6(APC):c.4665A>G (p.Lys1555=)

Gene: APC (APC regulator of Wnt signaling pathway; plus strand). Cytogenetic location: 5q22.2.
Variant type: single nucleotide variant.
Coding change: c.4665A>G on transcript NM_000038.6 (MANE Select); coding-DNA position 4665, A replaced by G.
Protein change: p.Lys1555=; no amino-acid change (lysine 1555 retained).
Molecular consequence: synonymous variant.
Genome position (GRCh38, 1-based): chr5:112,840,259, A>G. VCF-style: chr5-112840259-A-G. GRCh37 (hg19) VCF-style: chr5-112175956-A-G.
Other names: c.4665A>G, p.Lys1555= (NM_001127510.3, NM_001354895.2); c.4611A>G, p.Lys1537= (NM_001127511.3); c.4719A>G, p.Lys1573= (NM_001354896.2); c.4695A>G, p.Lys1565= (NM_001354897.2); c.4590A>G, p.Lys1530= (NM_001354898.2); c.4581A>G, p.Lys1527= (NM_001354899.2); c.4542A>G, p.Lys1514= (NM_001354900.2); c.4488A>G, p.Lys1496= (NM_001354901.2); and 5 more.
Identifiers: ClinVar variation 825082 (VCV000825082.4), dbSNP rs1580650875, ClinGen allele CA446206655.

ClinVar aggregate classification (germline): Benign/Likely benign. Review status: criteria provided, multiple submitters, no conflicts (2 of 4 stars). 2 submissions from 2 submitters: Benign (1); Likely benign (1). Last evaluated 2024-03-27.

Conditions:
Hereditary cancer-predisposing syndrome. Also called: Neoplastic Syndromes, Hereditary; Tumor predisposition; Hereditary neoplastic syndrome; Hereditary Cancer Syndrome. Identifiers: Orphanet 140162, MedGen C0027672, MeSH D009386, MONDO:0015356.
Familial adenomatous polyposis 1 (FAP1). Also called: POLYPOSIS, ADENOMATOUS INTESTINAL; FAMILIAL ADENOMATOUS POLYPOSIS 1, ATTENUATED. Identifiers: MedGen C2713442, MONDO:0021056, OMIM 175100. Disease mechanism: loss of function.

Submissions (2):

Myriad Genetics, Inc.
Classification: Benign for Familial adenomatous polyposis 1. Last evaluated: 2024-03-27. Review status: criteria provided, single submitter. Criteria: Myriad Autosomal Dominant, Autosomal Recessive and X-Linked Classification Criteria (2023). Collection method: clinical testing. Allele origin: unknown.
Comment: This variant is considered benign. This variant is a silent/synonymous amino acid change and it is not expected to impact splicing.

Ambry Genetics
Classification: Likely benign for Hereditary cancer-predisposing syndrome. Last evaluated: 2019-03-31. Review status: criteria provided, single submitter. Criteria: Ambry Variant Classification Scheme 2023. Collection method: clinical testing. Allele origin: germline.